The following is an entry in ClinVar:

ClinVar aggregate classification (germline): Uncertain significance (1 of 4 stars; one submission).

Conditions:
Neurofibromatosis, type 1 (NF1). Also called: VON RECKLINGHAUSEN DISEASE; Peripheral type neurofibromatosis; Neurofibromatosis, type I; NEUROFIBROMATOSIS, TYPE I, SOMATIC. Identifiers: Orphanet 636, MedGen C0027831, MONDO:0018975, OMIM 162200. Disease mechanism: loss of function.

Submission:

Labcorp Genetics (formerly Invitae), Labcorp
Classification: Uncertain significance for Neurofibromatosis, type 1. Last evaluated: 2023-02-16. Review status: criteria provided, single submitter. Criteria: Invitae Variant Classification Sherloc (09022015). Collection method: clinical testing. Allele origin: germline.
Comment: This variant is not present in population databases (gnomAD no frequency). This sequence change replaces glutamine, which is neutral and polar, with histidine, which is basic and polar, at codon 1188 of the NF1 protein (p.Gln1188His). This variant has not been reported in the literature in individuals affected with NF1-related conditions. Advanced modeling of protein sequence and biophysical properties (such as structural, functional, and spatial information, amino acid conservation, physicochemical variation, residue mobility, and thermodynamic stability) performed at Invitae indicates that this missense variant is not expected to disrupt NF1 protein function. In summary, the available evidence is currently insufficient to determine the role of this variant in disease. Therefore, it has been classified as a Variant of Uncertain Significance.

NM_001042492.3(NF1):c.3564A>T (p.Gln1188His)

Gene: NF1 (neurofibromin 1; plus strand). Cytogenetic location: 17q11.2.
Variant type: single nucleotide variant.
Coding change: c.3564A>T on transcript NM_001042492.3 (MANE Select); coding-DNA position 3564, A replaced by T.
Protein change: p.Gln1188His; replaces glutamine 1188 with histidine.
Molecular consequence: missense variant.
Genome position (GRCh38, 1-based): chr17:31,233,069, A>T. VCF-style: chr17-31233069-A-T. GRCh37 (hg19) VCF-style: chr17-29560087-A-T.
Other names: c.3564A>T, p.Gln1188His (NM_000267.4); short protein forms Q1188H.
Identifiers: ClinVar variation 2787469 (VCV002787469.3), dbSNP rs777859444, ClinGen allele CA398990063.